The following is an entry in ClinVar:

NM_001377.3(DYNC2H1):c.11844del (p.Phe3948fs)

Gene: DYNC2H1 (dynein cytoplasmic 2 heavy chain 1; plus strand). Cytogenetic location: 11q22.3.
Variant type: Deletion.
Coding change: c.11844del on transcript NM_001377.3 (MANE Select); coding-DNA position 11844, one base deleted (T; older notation c.11844delT).
Protein change: p.Phe3948fs; shifts the reading frame from phenylalanine 3948.
Molecular consequence: frameshift variant.
Genome position (GRCh38, 1-based): chr11:103,321,147, T deleted; the last of 6 consecutive T bases (chr11:103,321,142-103,321,147); deleting any one gives the same sequence. VCF-style (leftmost placement, unchanged base first): chr11-103321141-GT-G. GRCh37 (hg19) VCF-style: chr11-103191870-GT-G.
Other names: c.11865del, p.Phe3955fs (NM_001080463.2); short protein forms F3948fs, F3955fs.
Identifiers: ClinVar variation 5037959 (VCV005037959.2).

ClinVar aggregate classification (germline): Likely pathogenic (1 of 4 stars; one submission).

Conditions:
Asphyxiating thoracic dystrophy 3. Also called: POLYDACTYLY WITH NEONATAL CHONDRODYSTROPHY, TYPE I; SHORT-RIB THORACIC DYSPLASIA 3/6 WITH POLYDACTYLY, DIGENIC; SHORT-RIB THORACIC DYSPLASIA 3 WITH OR WITHOUT POLYDACTYLY; Saldino-Noonan Syndrome; Short rib polydactyly syndrome 2B. Identifiers: Orphanet 474, Orphanet 93269, Orphanet 93270, Orphanet 93271, MedGen C0036069, MONDO:0013127, OMIM 613091.

Submission:

Juno Genomics, Hangzhou Juno Genomics, Inc
Classification: Likely pathogenic for Asphyxiating thoracic dystrophy 3. Review status: criteria provided, single submitter. Criteria: ACMG Guidelines, 2015. Collection method: clinical testing. Allele origin: germline.
Comment: Null variant in a gene where loss of function (LOF) is a known mechanism of disease.;Absent from controls (or at extremely low frequency if recessive) in Genome Aggregation Database.